The following is an entry in ClinVar:

ClinVar aggregate classification (germline): Benign (1 of 4 stars; one submission).

Conditions:
Melanoma, cutaneous malignant, susceptibility to, 3. Also called: Cutaneous malignant melanoma 3. Identifiers: Orphanet 618, MedGen C1836892, MONDO:0012183, OMIM 609048.

Submission:

Myriad Genetics, Inc.
Classification: Benign for Melanoma, cutaneous malignant, susceptibility to, 3. Last evaluated: 2024-09-30. Review status: criteria provided, single submitter. Criteria: Myriad Autosomal Dominant, Autosomal Recessive and X-Linked Classification Criteria (2023). Collection method: clinical testing. Allele origin: unknown.
Comment: This variant is considered benign. This variant occurs in the non-coding 3' untranslated region of the gene, and is not expected to impact protein function.

NM_000075.4(CDK4):c.*2C>A

Genes: CDK4 (cyclin dependent kinase 4; minus strand), TSPAN31 (tetraspanin 31; plus strand). Cytogenetic location: 12q14.1.
Variant type: single nucleotide variant.
Coding change: c.*2C>A on transcript NM_000075.4 (MANE Select); 2 bases downstream of the stop codon, C replaced by A.
Molecular consequence: 3 prime UTR variant.
Genome position (GRCh38, 1-based): chr12:57,748,523, G>T on the plus strand (C>A on the coding strand, the complement: CDK4 is on the minus strand). VCF-style: chr12-57748523-G-T. GRCh37 (hg19) VCF-style: chr12-58142306-G-T.
Other names: c.*1233G>T (NM_001330168.2, NM_001330169.2, NM_005981.5).
Identifiers: ClinVar variation 3379205 (VCV003379205.1).